The following is an entry in ClinVar:

ClinVar aggregate classification (germline): Uncertain significance (1 of 4 stars; one submission).

Conditions:
Cardiovascular phenotype. Identifiers: MedGen CN230736.

Submission:

Ambry Genetics
Classification: Uncertain significance for Cardiovascular phenotype. Last evaluated: 2019-02-13. Review status: criteria provided, single submitter. Criteria: Ambry Variant Classification Scheme 2023. Collection method: clinical testing. Allele origin: germline.
Comment: The p.N353T variant (also known as c.1058A>C), located in coding exon 12 of the CACNA2D1 gene, results from an A to C substitution at nucleotide position 1058. The asparagine at codon 353 is replaced by threonine, an amino acid with similar properties. This amino acid position is highly conserved in available vertebrate species. In addition, this alteration is predicted to be tolerated by in silico analysis. Since supporting evidence is limited at this time, the clinical significance of this alteration remains unclear.

NM_000722.4(CACNA2D1):c.1058A>C (p.Asn353Thr)

Gene: CACNA2D1 (calcium voltage-gated channel auxiliary subunit alpha2delta 1; minus strand). Cytogenetic location: 7q21.11.
Variant type: single nucleotide variant.
Coding change: c.1058A>C on transcript NM_000722.4 (MANE Select); coding-DNA position 1058, A replaced by C.
Protein change: p.Asn353Thr; replaces asparagine 353 with threonine.
Molecular consequence: missense variant.
Genome position (GRCh38, 1-based): chr7:82,032,882, T>G on the plus strand (A>C on the coding strand, the complement: CACNA2D1 is on the minus strand). VCF-style: chr7-82032882-T-G. GRCh37 (hg19) VCF-style: chr7-81662198-T-G.
Other names: c.1058A>C, p.Asn353Thr (NM_001366867.1); short protein forms N353T.
Identifiers: ClinVar variation 1779086 (VCV001779086.2), dbSNP rs1295381429, ClinGen allele CA367879538.